The following is an entry in ClinVar:

ClinVar aggregate classification (germline): Uncertain significance. Review status: criteria provided, multiple submitters, no conflicts (2 of 4 stars). 2 submissions from 2 submitters: Uncertain significance (2). Last evaluated 2025-09-09.

Conditions:
Bardet-Biedl syndrome (BBS). Identifiers: Orphanet 110, MedGen C0752166, MONDO:0015229.
TRIM32-related disorder. Also called: TRIM32-related condition.

Allele frequency attached by ClinVar (database versions not stated): gnomAD exomes below 0.00001; ExAC 0.00001.
gnomAD v4.1: 1 of 1,613,864 alleles (0.000062%); highest among the groups gnomAD compares: Admixed American, 0.0017%; no homozygotes.

Submissions (2):

PreventionGenetics, part of Exact Sciences
Classification: Uncertain significance for TRIM32-related condition. Last evaluated: 2025-09-09. Review status: criteria provided, single submitter. Criteria: ACMG Guidelines, 2015. Collection method: clinical testing. Allele origin: germline.
Comment: The TRIM32 c.750T>G variant is predicted to result in the amino acid substitution p.Asp250Glu. To our knowledge, this variant has not been reported in the literature. This variant is reported in 0.0029% of alleles in individuals of Latino descent in gnomAD. At this time, the clinical significance of this variant is uncertain due to the absence of conclusive functional and genetic evidence.

Labcorp Genetics (formerly Invitae), Labcorp
Classification: Uncertain significance for Bardet-Biedl syndrome. Last evaluated: 2022-08-30. Review status: criteria provided, single submitter. Criteria: Invitae Variant Classification Sherloc (09022015). Collection method: clinical testing. Allele origin: germline.
Comment: In summary, the available evidence is currently insufficient to determine the role of this variant in disease. Therefore, it has been classified as a Variant of Uncertain Significance. Algorithms developed to predict the effect of missense changes on protein structure and function (SIFT, PolyPhen-2, Align-GVGD) all suggest that this variant is likely to be disruptive. This variant has not been reported in the literature in individuals affected with TRIM32-related conditions. This variant is present in population databases (rs758672160, gnomAD 0.003%). This sequence change replaces aspartic acid, which is acidic and polar, with glutamic acid, which is acidic and polar, at codon 250 of the TRIM32 protein (p.Asp250Glu).

NM_012210.4(TRIM32):c.750T>G (p.Asp250Glu)

Genes: ASTN2 (astrotactin 2; minus strand), TRIM32 (tripartite motif containing 32; plus strand). Cytogenetic location: 9q33.1.
Variant type: single nucleotide variant.
Coding change: c.750T>G on transcript NM_012210.4 (MANE Select); coding-DNA position 750, T replaced by G.
Protein change: p.Asp250Glu; replaces aspartic acid 250 with glutamic acid.
Molecular consequence: missense variant. On other transcripts: intron variant (3).
Genome position (GRCh38, 1-based): chr9:116,698,492, T>G. VCF-style: chr9-116698492-T-G. GRCh37 (hg19) VCF-style: chr9-119460771-T-G.
Other names: c.2653+27279A>C (NM_014010.5); c.2794+27279A>C (NM_001365069.1); c.2806+27279A>C (NM_001365068.1); c.750T>G, p.Asp250Glu (NM_001099679.2, NM_001379048.1, NM_001379049.1 and 1 more transcripts); short protein forms D250E.
Identifiers: ClinVar variation 2075223 (VCV002075223.3), dbSNP rs758672160, ClinGen allele CA5211040.